The following is an entry in ClinVar:

NM_022124.6(CDH23):c.6980T>A (p.Leu2327His)

Gene: CDH23 (cadherin related 23; plus strand). Cytogenetic location: 10q22.1.
Variant type: single nucleotide variant.
Coding change: c.6980T>A on transcript NM_022124.6 (MANE Select); coding-DNA position 6980, T replaced by A.
Protein change: p.Leu2327His; replaces leucine 2327 with histidine.
Molecular consequence: missense variant.
Genome position (GRCh38, 1-based): chr10:71,798,504, T>A. VCF-style: chr10-71798504-T-A. GRCh37 (hg19) VCF-style: chr10-73558261-T-A.
Other names: c.260T>A, p.Leu87His (NM_001171933.1, NM_001171934.1); short protein forms L2327H, L87H.
Identifiers: ClinVar variation 843896 (VCV000843896.9), dbSNP rs995094571, ClinGen allele CA209469637.

ClinVar aggregate classification (germline): Uncertain significance. Review status: criteria provided, multiple submitters, no conflicts (2 of 4 stars). 5 submissions from 5 submitters: Uncertain significance (3). 2 of the submissions do not count toward it. Last evaluated 2024-04-30.

Conditions:
Usher syndrome type 1 (USH1). Also called: RETINITIS PIGMENTOSA AND CONGENITAL DEAFNESS. Identifiers: Orphanet 231169, Orphanet 886, MedGen C1568247, MONDO:0010168, OMIM 276900.
Hearing impairment. Also called: Impaired Hearing. Identifiers: MedGen C1384666, MONDO:0005365, HP:0000365.
CDH23-related disorder. Also called: CDH23-related disorders; CDH23-related condition.

Allele frequency attached by ClinVar (database versions not stated): gnomAD 0.00001; gnomAD exomes 0.00001; TOPMed 0.00001.
gnomAD v4.1: 20 of 1,613,850 alleles (0.0012%); highest among the groups gnomAD compares: Non-Finnish European, 0.0014%; no homozygotes.

Submissions (5):

Blueprint Genetics
Classification: Uncertain significance. Last evaluated: 2024-04-30. Review status: criteria provided, single submitter. Criteria: ACMG Guidelines, 2015. Collection method: clinical testing. Allele origin: germline.

Labcorp Genetics (formerly Invitae), Labcorp
Classification: Uncertain significance. Last evaluated: 2021-09-01. Review status: criteria provided, single submitter. Criteria: Invitae Variant Classification Sherloc (09022015). Collection method: clinical testing. Allele origin: germline.
Comment: This sequence change replaces leucine with histidine at codon 2327 of the CDH23 protein (p.Leu2327His). The leucine residue is highly conserved and there is a moderate physicochemical difference between leucine and histidine. This variant is not present in population databases (ExAC no frequency). This variant has not been reported in the literature in individuals affected with CDH23-related conditions. Algorithms developed to predict the effect of missense changes on protein structure and function are either unavailable or do not agree on the potential impact of this missense change (SIFT: "Deleterious"; PolyPhen-2: "Not Available"; Align-GVGD: "Class C0"). In summary, the available evidence is currently insufficient to determine the role of this variant in disease. Therefore, it has been classified as a Variant of Uncertain Significance.

Department of Otolaryngology – Head & Neck Surgery, Cochlear Implant Center
Classification: Uncertain significance for Hearing impairment. Last evaluated: 2021-04-12. Review status: criteria provided, single submitter. Criteria: ClinGen HL ACMG Specifications v1. Collection method: clinical testing. Allele origin: germline. Affected: yes.
Comment: PM2_Moderate

PreventionGenetics, part of Exact Sciences
Classification: Uncertain significance for CDH23-related condition. Last evaluated: 2023-11-09. Review status: no assertion criteria provided. Collection method: clinical testing. Allele origin: germline. Not counted in ClinVar's aggregate classification.
Comment: The CDH23 c.6980T>A variant is predicted to result in the amino acid substitution p.Leu2327His. To our knowledge, this variant has not been reported in the literature. This variant is reported in 0.0018% of alleles in individuals of European (Non-Finnish) descent in gnomAD. At this time, the clinical significance of this variant is uncertain due to the absence of conclusive functional and genetic evidence.

Natera, Inc.
Classification: Uncertain significance for Usher syndrome type 1. Last evaluated: 2020-09-16. Review status: no assertion criteria provided. Collection method: clinical testing. Allele origin: germline. Not counted in ClinVar's aggregate classification.